The following is an entry in ClinVar:

NM_004523.4(KIF11):c.909A>C (p.Val303=)

Gene: KIF11 (kinesin family member 11; plus strand). Cytogenetic location: 10q23.33.
Variant type: single nucleotide variant.
Coding change: c.909A>C on transcript NM_004523.4 (MANE Select); coding-DNA position 909, A replaced by C.
Protein change: p.Val303=; no amino-acid change (valine 303 retained).
Molecular consequence: synonymous variant.
Genome position (GRCh38, 1-based): chr10:92,613,496, A>C. VCF-style: chr10-92613496-A-C. GRCh37 (hg19) VCF-style: chr10-94373253-A-C.
Identifiers: ClinVar variation 3239370 (VCV003239370.19), dbSNP rs2492490301.

ClinVar aggregate classification (germline): Likely benign (1 of 4 stars; one submission).

Allele frequency attached by ClinVar (database versions not stated): gnomAD exomes below 0.00001.
gnomAD v4.1: 1 of 1,613,470 alleles (0.000062%); highest among the groups gnomAD compares: Non-Finnish European, 0.000085%; no homozygotes.

Submission:

CeGaT Center for Human Genetics Tuebingen
Classification: Likely benign. Last evaluated: 2024-05-01. Review status: criteria provided, single submitter. Criteria: CeGaT Center For Human Genetics Tuebingen Variant Classification Criteria Version 2. Collection method: clinical testing. Allele origin: germline. Affected: yes. Observed: 1 variant allele.
Comment: KIF11: PM2:Supporting, BP4, BP7